The following is an entry in ClinVar:

NM_152594.3(SPRED1):c.650C>G (p.Ser217Cys)

Gene: SPRED1 (sprouty related EVH1 domain containing 1; plus strand). Cytogenetic location: 15q14.
Variant type: single nucleotide variant.
Coding change: c.650C>G on transcript NM_152594.3 (MANE Select); coding-DNA position 650, C replaced by G.
Protein change: p.Ser217Cys; replaces serine 217 with cysteine.
Molecular consequence: missense variant.
Genome position (GRCh38, 1-based): chr15:38,349,489, C>G. VCF-style: chr15-38349489-C-G. GRCh37 (hg19) VCF-style: chr15-38641690-C-G.
Other names: short protein forms S217C.
Identifiers: ClinVar variation 4865054 (VCV004865054.1).

ClinVar aggregate classification (germline): Uncertain significance (1 of 4 stars; one submission).

Conditions:
Cardiovascular phenotype. Identifiers: MedGen CN230736.

Submission:

Ambry Genetics
Classification: Uncertain significance for Cardiovascular phenotype. Last evaluated: 2026-06-09. Review status: criteria provided, single submitter. Criteria: Ambry Variant Classification Scheme 2023. Collection method: clinical testing. Allele origin: germline.
Comment: The p.S217C variant (also known as c.650C>G), located in coding exon 6 of the SPRED1 gene, results from a C to G substitution at nucleotide position 650. The serine at codon 217 is replaced by cysteine, an amino acid with dissimilar properties. This amino acid position is conserved. In addition, this alteration is predicted to be tolerated by in silico analysis. Based on the available evidence, the clinical significance of this variant remains unclear.